The following is an entry in ClinVar:

ClinVar aggregate classification (germline): Uncertain significance (1 of 4 stars; one submission).

Allele frequency attached by ClinVar (database versions not stated): gnomAD exomes below 0.00001.
gnomAD v4.1: 1 of 1,613,826 alleles (0.000062%); highest among the groups gnomAD compares: Non-Finnish European, 0.000085%; no homozygotes.

Submission:

Ambry Genetics
Classification: Uncertain significance. Last evaluated: 2023-09-29. Review status: criteria provided, single submitter. Criteria: Ambry Variant Classification Scheme 2023. Collection method: clinical testing. Allele origin: germline.
Comment: The p.V720A variant (also known as c.2159T>C), located in coding exon 11 of the PALLD gene, results from a T to C substitution at nucleotide position 2159. The valine at codon 720 is replaced by alanine, an amino acid with similar properties. This amino acid position is conserved. In addition, the in silico prediction for this alteration is inconclusive. Since supporting evidence is limited at this time, the clinical significance of this alteration remains unclear.

NM_001166108.2(PALLD):c.2159T>C (p.Val720Ala)

Genes: CBR4 (carbonyl reductase 4; minus strand), PALLD (palladin, cytoskeletal associated protein; plus strand). Cytogenetic location: 4q32.3.
Variant type: single nucleotide variant.
Coding change: c.2159T>C on transcript NM_001166108.2 (MANE Select); coding-DNA position 2159, T replaced by C.
Protein change: p.Val720Ala; replaces valine 720 with alanine.
Molecular consequence: missense variant.
Genome position (GRCh38, 1-based): chr4:168,894,637, T>C. VCF-style: chr4-168894637-T-C. GRCh37 (hg19) VCF-style: chr4-169815788-T-C.
Other names: c.1013T>C, p.Val338Ala (NM_001166109.2); c.698T>C, p.Val233Ala (NM_001166110.2); c.38T>C, p.Val13Ala (NM_001367567.1, NM_001367568.1, NM_001367569.1 and 1 more transcripts); c.2159T>C, p.Val720Ala (NM_016081.4); short protein forms V13A, V233A, V338A, V720A.
Identifiers: ClinVar variation 3226767 (VCV003226767.1), dbSNP rs2533638855, ClinGen allele CA358797741.